The following is an entry in ClinVar:

ClinVar aggregate classification (germline): Pathogenic/Likely pathogenic. Review status: criteria provided, multiple submitters, no conflicts (2 of 4 stars). 2 submissions from 2 submitters: Pathogenic (1); Likely pathogenic (1). Last evaluated 2025-09-05.

Conditions:
Ataxia-telangiectasia syndrome (AT). Also called: ATAXIA-TELANGIECTASIA, COMPLEMENTATION GROUP A; ATAXIA-TELANGIECTASIA, FRESNO VARIANT; LOUIS-BAR SYNDROME; Ataxia-telangiectasia, complementation group D; Ataxia-telangiectasia, complementation group E; Cerebello-oculocutaneous telangiectasia. Identifiers: Orphanet 100, MedGen C0004135, MONDO:0008840, OMIM 208900.
Hereditary cancer-predisposing syndrome. Also called: Hereditary neoplastic syndrome; Hereditary Cancer Syndrome; Neoplastic Syndromes, Hereditary; Tumor predisposition. Identifiers: Orphanet 140162, MedGen C0027672, MeSH D009386, MONDO:0015356.

Submissions (2):

Ambry Genetics
Classification: Likely pathogenic for Hereditary cancer-predisposing syndrome. Last evaluated: 2025-09-05. Review status: criteria provided, single submitter. Criteria: Ambry Variant Classification Scheme 2023. Collection method: clinical testing. Allele origin: germline.
Comment: The c.3285-1G>T intronic variant results from a G to T substitution one nucleotide upstream from coding exon 22 of the ATM gene. This variant is considered to be rare based on population cohorts in the Genome Aggregation Database (gnomAD). This nucleotide position is highly conserved in available vertebrate species. In silico splice site analysis predicts that this alteration will weaken the native splice acceptor site and will result in the creation or strengthening of a novel splice acceptor site. Alterations that disrupt the canonical splice site are expected to cause aberrant splicing, resulting in an abnormal protein or a transcript that is subject to nonsense-mediated mRNA decay. As such, this alteration is classified as likely pathogenic.

Labcorp Genetics (formerly Invitae), Labcorp
Classification: Pathogenic for Ataxia-telangiectasia syndrome. Last evaluated: 2025-01-15. Review status: criteria provided, single submitter. Criteria: Invitae Variant Classification Sherloc (09022015). Collection method: clinical testing. Allele origin: germline.
Comment: This sequence change affects an acceptor splice site in intron 22 of the ATM gene. It is expected to disrupt RNA splicing. Variants that disrupt the donor or acceptor splice site typically lead to a loss of protein function (PMID: 16199547), and loss-of-function variants in ATM are known to be pathogenic (PMID: 23807571, 25614872). This variant is not present in population databases (gnomAD no frequency). Disruption of this splice site has been observed in individual(s) with clinical features of ataxia telangiectasia (PMID: 21965147). Algorithms developed to predict the effect of sequence changes on RNA splicing suggest that this variant may disrupt the consensus splice site. For these reasons, this variant has been classified as Pathogenic.

Literature cited by the submitters: PubMed 16199547 (cited by Labcorp Genetics (formerly Invitae), Labcorp); PubMed 23807571 (cited by Labcorp Genetics (formerly Invitae), Labcorp); PubMed 25614872 (cited by Labcorp Genetics (formerly Invitae), Labcorp); PubMed 21965147 (cited by Labcorp Genetics (formerly Invitae), Labcorp).

NM_000051.4(ATM):c.3285-1G>T

Gene: ATM (ATM serine/threonine kinase; plus strand). Cytogenetic location: 11q22.3.
Variant type: single nucleotide variant.
Coding change: c.3285-1G>T on transcript NM_000051.4 (MANE Select); the canonical splice acceptor site of the intron before coding-DNA position 3285, G replaced by T.
Molecular consequence: splice acceptor variant.
Genome position (GRCh38, 1-based): chr11:108,279,490, G>T. VCF-style: chr11-108279490-G-T. GRCh37 (hg19) VCF-style: chr11-108150217-G-T.
Other names: c.3285-1G>T (NM_001351834.2, NM_000051.3).
Identifiers: ClinVar variation 3642970 (VCV003642970.3).